The following is an entry in ClinVar:

ClinVar aggregate classification (germline): Pathogenic (1 of 4 stars; one submission).

Conditions:
Breast-ovarian cancer, familial, susceptibility to, 3. Also called: RAD51C-Related Breast/Ovarian Cancer. Identifiers: Orphanet 145, MedGen C3150659, MONDO:0013253, OMIM 613399.

Submission:

Myriad Genetics, Inc.
Classification: Pathogenic for Breast-ovarian cancer, familial, susceptibility to, 3. Last evaluated: 2025-08-11. Review status: criteria provided, single submitter. Criteria: Myriad Autosomal Dominant, Autosomal Recessive and X-Linked Classification Criteria (2023). Collection method: clinical testing. Allele origin: unknown.
Comment: This variant is considered pathogenic. This variant creates a frameshift predicted to result in premature protein truncation.

NM_058216.3(RAD51C):c.322dup (p.Asp108fs)

Gene: RAD51C (RAD51 paralog C; plus strand). Cytogenetic location: 17q22.
Variant type: Duplication.
Coding change: c.322dup on transcript NM_058216.3 (MANE Select); coding-DNA position 322, one base duplicated (G; older notation c.322dupG).
Protein change: p.Asp108fs; shifts the reading frame from aspartic acid 108.
Molecular consequence: frameshift variant. On other transcripts: non-coding transcript variant (2).
Genome position (GRCh38, 1-based): chr17:58,695,107, G duplicated. VCF-style (leftmost placement, unchanged base first): chr17-58695106-A-AG. GRCh37 (hg19) VCF-style: chr17-56772467-A-AG.
Other names: c.322dup, p.Asp108fs (NM_002876.4); short protein forms D108fs.
Identifiers: ClinVar variation 4294251 (VCV004294251.1).